The following is an entry in ClinVar:

NM_000106.6(CYP2D6):c.1457G>C (p.Ser486Thr)

Gene: CYP2D6 (cytochrome P450 family 2 subfamily D member 6 (gene/pseudogene); minus strand). Cytogenetic location: 22q13.2.
Variant type: single nucleotide variant.
Coding change: c.1457G>C on transcript NM_000106.6 (MANE Select); coding-DNA position 1457, G replaced by C.
Protein change: p.Ser486Thr; replaces serine 486 with threonine.
Molecular consequence: missense variant.
Genome position (GRCh38, 1-based): chr22:42,126,611, C>G on the plus strand (G>C on the coding strand, the complement: CYP2D6 is on the minus strand). VCF-style: chr22-42126611-C-G. GRCh37 (hg19) VCF-style: chr22-42522613-G-G.
Other names: CYP2D6*17; c.1304G>C, p.Ser435Thr (NM_001025161.3); short protein forms S486T, S435T.
Identifiers: ClinVar variation 242701 (VCV000242701.8), dbSNP rs1135840, ClinGen allele CA039095.

ClinVar aggregate classification (germline): Benign; other. Review status: criteria provided, multiple submitters, no conflicts (2 of 4 stars). 3 submissions from 3 submitters: Benign (2). Last evaluated 2024-04-04.

Allele frequency attached by ClinVar (database versions not stated): gnomAD 0.57718 and 0.57695; TOPMed 0.57811; 1000 Genomes Project 30x 0.59588.
gnomAD v4.1: 889,249 of 1,604,654 alleles (55%); highest among the groups gnomAD compares: African/African-American, 65%; 260,369 homozygotes.

Submissions (3):

Labcorp Genetics (formerly Invitae), Labcorp
Classification: Benign. Last evaluated: 2024-04-04. Review status: criteria provided, single submitter. Criteria: Invitae Variant Classification Sherloc (09022015). Collection method: clinical testing. Allele origin: germline.

Eurofins Ntd Llc (ga)
Classification: other. Last evaluated: 2018-08-06. Review status: criteria provided, single submitter. Criteria: EGL ClinVar v180209 classification definitions. Collection method: clinical testing. Allele origin: germline.

GeneDx
Classification: Benign. Last evaluated: 2018-02-27. Review status: criteria provided, single submitter. Criteria: GeneDx Variant Classification (06012015). Collection method: clinical testing. Allele origin: germline. Affected: yes.
Comment: This variant is considered likely benign or benign based on one or more of the following criteria: it is a conservative change, it occurs at a poorly conserved position in the protein, it is predicted to be benign by multiple in silico algorithms, and/or has population frequency not consistent with disease.